The following is an entry in ClinVar:

ClinVar aggregate classification (germline): Likely benign. Review status: criteria provided, multiple submitters, no conflicts (2 of 4 stars). 2 submissions from 2 submitters: Likely benign (2). Last evaluated 2024-10-22.

Allele frequency attached by ClinVar (database versions not stated): gnomAD 0.00005; ESP Exome Variant Server 0.00008.
gnomAD v4.1: 85 of 1,614,052 alleles (0.0053%); highest among the groups gnomAD compares: Non-Finnish European, 0.0064%; no homozygotes.

Submissions (2):

Labcorp Genetics (formerly Invitae), Labcorp
Classification: Likely benign. Last evaluated: 2024-10-22. Review status: criteria provided, single submitter. Criteria: Invitae Variant Classification Sherloc (09022015). Collection method: clinical testing. Allele origin: germline.

CeGaT Center for Human Genetics Tuebingen
Classification: Likely benign. Last evaluated: 2024-02-01. Review status: criteria provided, single submitter. Criteria: CeGaT Center For Human Genetics Tuebingen Variant Classification Criteria Version 2. Collection method: clinical testing. Allele origin: germline. Affected: yes. Observed: 1 variant allele.
Comment: USP7: BP4, BP7

NM_003470.3(USP7):c.2511G>C (p.Leu837=)

Gene: USP7 (ubiquitin specific peptidase 7; minus strand). Cytogenetic location: 16p13.2.
Variant type: single nucleotide variant.
Coding change: c.2511G>C on transcript NM_003470.3 (MANE Select); coding-DNA position 2511, G replaced by C.
Protein change: p.Leu837=; no amino-acid change (leucine 837 retained).
Molecular consequence: synonymous variant. On other transcripts: non-coding transcript variant (1).
Genome position (GRCh38, 1-based): chr16:8,899,141, C>G on the plus strand (G>C on the coding strand, the complement: USP7 is on the minus strand). VCF-style: chr16-8899141-C-G. GRCh37 (hg19) VCF-style: chr16-8992998-C-G.
Other names: c.2463G>C, p.Leu821= (NM_001286457.2); c.2214G>C, p.Leu738= (NM_001286458.2); c.2337G>C, p.Leu779= (NM_001321858.2).
Identifiers: ClinVar variation 3026121 (VCV003026121.24), dbSNP rs374486766, ClinGen allele CA7895004.